The following is an entry in ClinVar:

NM_000921.5(PDE3A):c.1312T>G (p.Ser438Ala)

Gene: PDE3A (phosphodiesterase 3A; plus strand). Cytogenetic location: 12p12.2.
Variant type: single nucleotide variant.
Coding change: c.1312T>G on transcript NM_000921.5 (MANE Select); coding-DNA position 1312, T replaced by G.
Protein change: p.Ser438Ala; replaces serine 438 with alanine.
Molecular consequence: missense variant.
Genome position (GRCh38, 1-based): chr12:20,616,272, T>G. VCF-style: chr12-20616272-T-G. GRCh37 (hg19) VCF-style: chr12-20769206-T-G.
Other names: c.346T>G, p.Ser116Ala (NM_001244683.2, NM_001378409.1); c.1312T>G, p.Ser438Ala (NM_001378407.1); c.349T>G, p.Ser117Ala (NM_001378408.1); short protein forms S116A, S117A, S438A.
Identifiers: ClinVar variation 5043331 (VCV005043331.1).
Genomic context (GRCh38, chr12:20,616,272, plus strand): 5'-GTCAAGTCTCTTTCCTAGCGCCTGAGAAGGAGTTTGCCTCCTGGCTTGTTGAGACGAGTT[T>G]CTTCCACTTGGACCACCACCACCTCGGCCACAGGTCTACCCACCTTGGAGCCTGCACCAG-3'
Protein context (NP_000912.3, residues 428-448): SLPPGLLRRV[Ser438Ala]STWTTTTSAT

ClinVar aggregate classification (germline): Uncertain significance (1 of 4 stars; one submission).

Conditions:
Brachydactyly-arterial hypertension syndrome. Also called: BILGINTURAN SYNDROME. Identifiers: Orphanet 1276, MedGen C1862170, MONDO:0007211, OMIM 112410.

Submission:

UAEU Genomics Laboratory, United Arab Emirates University
Classification: Uncertain significance for Brachydactyly-arterial hypertension syndrome. Last evaluated: 2022-01-10. Review status: criteria provided, single submitter. Criteria: ACMG Guidelines, 2015. Collection method: research. Allele origin: unknown. Affected: yes. Observed: 1 variant allele.
Comment: PM2, PM1, PP3